The following is an entry in ClinVar:

ClinVar aggregate classification (germline): Likely pathogenic. Review status: criteria provided, single submitter (1 of 4 stars). 3 submissions from 3 submitters: Likely pathogenic (1). 2 of the submissions do not count toward it. Last evaluated 2025-12-03.

Conditions:
Cystic fibrosis (CF). Also called: MUCOVISCIDOSIS. Identifiers: Orphanet 586, MedGen C0010674, MONDO:0009061, OMIM 219700. Disease mechanism: loss of function.

Allele frequency attached by ClinVar (database versions not stated): TOPMed 0.00001.

Submissions (3):

3billion
Classification: Likely pathogenic for Cystic fibrosis. Last evaluated: 2025-12-03. Review status: criteria provided, single submitter. Criteria: ACMG Guidelines, 2015. Collection method: clinical testing. Allele origin: germline. Affected: yes.
Comment: The variant is not observed in the gnomAD v4.1.0 dataset. Predicted Consequence/Location: Missense variant In silico tool predictions suggest damaging effect of the variant on gene or gene product [REVEL: 0.92 (>=0.6, sensitivity 0.68 and specificity 0.92); 3Cnet: 0.99 (> 0.75, sensitivity 0.96 and precision 0.92)]. The same nucleotide change resulting in the same amino acid change has been previously reported to be associated with CFTR-related disorder (PMID: 16049310).Different missense changes at the same codon (p.Arg1066Cys, p.Arg1066Gly, p.Arg1066His, p.Arg1066Leu) have been reported as pathogenic/likely pathogenic with strong evidence (ClinVar ID: VCV000007158, VCV000007162, VCV000053678 /PMID: 1284639, 1379210, 23276700, 7683628). Therefore, this variant is classified as Likely pathogenic according to the recommendation of ACMG/AMP guideline.

Counsyl
Classification: Uncertain significance for Cystic fibrosis. Last evaluated: 2017-12-07. Review status: no assertion criteria provided. Collection method: clinical testing. Allele origin: unknown. Not counted in ClinVar's aggregate classification.

ClinVar Staff, National Center for Biotechnology Information (NCBI)
No classification provided. Condition: CFTR-related disorders. Review status: no classification provided. Collection method: literature only. Allele origin: germline. Affected: yes. Not counted in ClinVar's aggregate classification.

Literature cited by the submitters: PubMed 16049310 (cited by 3billion); PubMed 1284639 (cited by 3billion); PubMed 11379874 (cited by Counsyl and ClinVar Staff, National Center for Biotechnology Information (NCBI)).

NM_000492.4(CFTR):c.3196C>A (p.Arg1066Ser)

Genes: CFTR (CF transmembrane conductance regulator; plus strand), CFTR-AS2 (CFTR antisense RNA 2; minus strand), LOC111674472 (DNase I hypersensitive sites in introns 16 and 17a of CFTR; plus strand). Cytogenetic location: 7q31.2.
Variant type: single nucleotide variant.
Coding change: c.3196C>A on transcript NM_000492.4 (MANE Select); coding-DNA position 3196, C replaced by A.
Protein change: p.Arg1066Ser; replaces arginine 1066 with serine.
Molecular consequence: missense variant.
Genome position (GRCh38, 1-based): chr7:117,611,637, C>A. VCF-style: chr7-117611637-C-A. GRCh37 (hg19) VCF-style: chr7-117251691-C-A.
Other names: short protein forms R1066S.
Identifiers: ClinVar variation 53677 (VCV000053677.3), dbSNP rs78194216, ClinGen allele CA327085.